The following is an entry in ClinVar:

NM_022124.6(CDH23):c.1416C>A (p.Asn472Lys)

Gene: CDH23 (cadherin related 23; plus strand). Cytogenetic location: 10q22.1.
Variant type: single nucleotide variant.
Coding change: c.1416C>A on transcript NM_022124.6 (MANE Select); coding-DNA position 1416, C replaced by A.
Protein change: p.Asn472Lys; replaces asparagine 472 with lysine.
Molecular consequence: missense variant.
Genome position (GRCh38, 1-based): chr10:71,646,584, C>A. VCF-style: chr10-71646584-C-A. GRCh37 (hg19) VCF-style: chr10-73406341-C-A.
Other names: c.1416C>A, p.Asn472Lys (NM_001171930.2, NM_001171931.2, NM_052836.4); short protein forms N472K.
Identifiers: ClinVar variation 1016054 (VCV001016054.7), dbSNP rs745573280, ClinGen allele CA377128172.

ClinVar aggregate classification (germline): Uncertain significance (1 of 4 stars; one submission).

Submission:

Labcorp Genetics (formerly Invitae), Labcorp
Classification: Uncertain significance. Last evaluated: 2020-10-10. Review status: criteria provided, single submitter. Criteria: Invitae Variant Classification Sherloc (09022015). Collection method: clinical testing. Allele origin: germline.
Comment: In summary, the available evidence is currently insufficient to determine the role of this variant in disease. Therefore, it has been classified as a Variant of Uncertain Significance. This sequence change replaces asparagine with lysine at codon 472 of the CDH23 protein (p.Asn472Lys). The asparagine residue is highly conserved and there is a moderate physicochemical difference between asparagine and lysine. This variant is not present in population databases (ExAC no frequency). This variant has not been reported in the literature in individuals with CDH23-related conditions. Algorithms developed to predict the effect of missense changes on protein structure and function are either unavailable or do not agree on the potential impact of this missense change (SIFT: "Deleterious"; PolyPhen-2: "Not Available"; Align-GVGD: "Class C65").